The following is an entry in ClinVar:

ClinVar aggregate classification (germline): Uncertain significance (1 of 4 stars; one submission).

Conditions:
Tietz syndrome (TADS). Also called: HYPOPIGMENTATION/DEAFNESS OF TIETZ; TIETZ ALBINISM-DEAFNESS SYNDROME; ALBINISM-DEAFNESS OF TIETZ. Identifiers: Orphanet 42665, MedGen C0391816, MONDO:0007077, OMIM 103500.
Waardenburg syndrome type 2A (WS2A). Also called: WAARDENBURG SYNDROME WITHOUT DYSTOPIA CANTHORUM. Identifiers: Orphanet 3440, MedGen C1860339, MONDO:0008671, OMIM 193510.
Melanoma, cutaneous malignant, susceptibility to, 8. Also called: MELANOMA AND RENAL CELL CARCINOMA, SUSCEPTIBILITY TO; Cutaneous malignant melanoma 8. Identifiers: Orphanet 293822, MedGen C3152204, MONDO:0013759, OMIM 614456.

Submission:

Labcorp Genetics (formerly Invitae), Labcorp
Classification: Uncertain significance for Melanoma, cutaneous malignant, susceptibility to, 8; Waardenburg syndrome type 2A; Tietz syndrome. Last evaluated: 2024-03-28. Review status: criteria provided, single submitter. Criteria: Invitae Variant Classification Sherloc (09022015). Collection method: clinical testing. Allele origin: germline.
Comment: This sequence change replaces methionine, which is neutral and non-polar, with valine, which is neutral and non-polar, at codon 370 of the MITF protein (p.Met370Val). This variant is not present in population databases (gnomAD no frequency). This variant has not been reported in the literature in individuals affected with MITF-related conditions. Advanced modeling of protein sequence and biophysical properties (such as structural, functional, and spatial information, amino acid conservation, physicochemical variation, residue mobility, and thermodynamic stability) performed at Invitae indicates that this missense variant is not expected to disrupt MITF protein function with a negative predictive value of 80%. In summary, the available evidence is currently insufficient to determine the role of this variant in disease. Therefore, it has been classified as a Variant of Uncertain Significance.

NM_001354604.2(MITF):c.1429A>G (p.Met477Val)

Gene: MITF (melanocyte inducing transcription factor; plus strand). Cytogenetic location: 3p13.
Variant type: single nucleotide variant.
Coding change: c.1429A>G on transcript NM_001354604.2 (MANE Select); coding-DNA position 1429, A replaced by G.
Protein change: p.Met477Val; replaces methionine 477 with valine.
Molecular consequence: missense variant.
Genome position (GRCh38, 1-based): chr3:69,965,096, A>G. VCF-style: chr3-69965096-A-G. GRCh37 (hg19) VCF-style: chr3-70014247-A-G.
Other names: c.1108A>G, p.Met370Val (NM_000248.4); c.1255A>G, p.Met419Val (NM_001184967.2, NM_001354608.2); c.1426A>G, p.Met476Val (NM_001354605.2); c.1408A>G, p.Met470Val (NM_001354606.2, NM_006722.3); c.1360A>G, p.Met454Val (NM_001354607.2); c.1090A>G, p.Met364Val (NM_198158.3); c.1411A>G, p.Met471Val (NM_198159.3); c.1363A>G, p.Met455Val (NM_198177.3); and 1 more; short protein forms M308V, M364V, M370V, M419V, M454V, M455V, M470V, M471V.
Identifiers: ClinVar variation 3755564 (VCV003755564.2).
Genomic context (GRCh38, chr3:69,965,096, plus strand): 5'-TTCAACAACAACCTCGGAACTGGGACTGAGGCCAACCAAGCCTATAGTGTCCCCACAAAA[A>G]TGGGATCCAAACTGGAAGACATCCTGATGGACGACACCCTTTCTCCCGTCGGTGTCACTG-3'
Protein context (NP_001341533.1, residues 467-487): ANQAYSVPTK[Met477Val]GSKLEDILMD